The following is an entry in ClinVar:

ClinVar aggregate classification (germline): Uncertain significance (1 of 4 stars; one submission).

Conditions:
Familial cancer of breast. Also called: Hereditary breast cancer; BREAST CANCER, FAMILIAL; hereditary breast carcinoma. Identifiers: Orphanet 227535, MedGen C0346153, MONDO:0016419, OMIM 114480. Disease mechanism: loss of function.
Fanconi anemia complementation group J. Also called: BRIP1-Related Fanconi Anemia. Identifiers: Orphanet 84, MedGen C1836860, MONDO:0012187, OMIM 609054.

Submission:

Labcorp Genetics (formerly Invitae), Labcorp
Classification: Uncertain significance for Familial cancer of breast; Fanconi anemia complementation group J. Last evaluated: 2021-08-30. Review status: criteria provided, single submitter. Criteria: Invitae Variant Classification Sherloc (09022015). Collection method: clinical testing. Allele origin: germline.
Comment: This sequence change replaces aspartic acid with asparagine at codon 770 of the BRIP1 protein (p.Asp770Asn). The aspartic acid residue is highly conserved and there is a small physicochemical difference between aspartic acid and asparagine. This variant is not present in population databases (ExAC no frequency). This variant has not been reported in the literature in individuals affected with BRIP1-related conditions. Algorithms developed to predict the effect of missense changes on protein structure and function are either unavailable or do not agree on the potential impact of this missense change (SIFT: "Tolerated"; PolyPhen-2: "Probably Damaging"; Align-GVGD: "Class C0"). In summary, the available evidence is currently insufficient to determine the role of this variant in disease. Therefore, it has been classified as a Variant of Uncertain Significance.

NM_032043.3(BRIP1):c.2308G>A (p.Asp770Asn)

Gene: BRIP1 (BRCA1 interacting DNA helicase 1; minus strand). Cytogenetic location: 17q23.2.
Variant type: single nucleotide variant.
Coding change: c.2308G>A on transcript NM_032043.3 (MANE Select); coding-DNA position 2308, G replaced by A.
Protein change: p.Asp770Asn; replaces aspartic acid 770 with asparagine.
Molecular consequence: missense variant.
Genome position (GRCh38, 1-based): chr17:61,743,084, C>T on the plus strand (G>A on the coding strand, the complement: BRIP1 is on the minus strand). VCF-style: chr17-61743084-C-T. GRCh37 (hg19) VCF-style: chr17-59820445-C-T.
Other names: short protein forms D770N.
Identifiers: ClinVar variation 1464650 (VCV001464650.7), dbSNP rs2077007860, ClinGen allele CA400482668.